The following is an entry in ClinVar:

ClinVar aggregate classification (germline): Uncertain significance. Review status: criteria provided, multiple submitters, no conflicts (2 of 4 stars). 2 submissions from 2 submitters: Uncertain significance (2). Last evaluated 2025-05-09.

Conditions:
Hereditary cancer-predisposing syndrome. Also called: Neoplastic Syndromes, Hereditary; Hereditary Cancer Syndrome; Tumor predisposition; Hereditary neoplastic syndrome. Identifiers: Orphanet 140162, MedGen C0027672, MeSH D009386, MONDO:0015356.
Gorlin syndrome. Also called: Basal cell nevus syndrome; Nevoid Basal Cell Carcinoma Syndrome. Identifiers: Orphanet 377, MedGen C0004779, MONDO:0007187.

Submissions (2):

Labcorp Genetics (formerly Invitae), Labcorp
Classification: Uncertain significance for Gorlin syndrome. Last evaluated: 2025-05-09. Review status: criteria provided, single submitter. Criteria: Invitae Variant Classification Sherloc (09022015). Collection method: clinical testing. Allele origin: germline.
Comment: This sequence change replaces tryptophan, which is neutral and slightly polar, with cysteine, which is neutral and slightly polar, at codon 78 of the PTCH1 protein (p.Trp78Cys). This variant is not present in population databases (gnomAD no frequency). This variant has not been reported in the literature in individuals affected with PTCH1-related conditions. ClinVar contains an entry for this variant (Variation ID: 1511737). Invitae Evidence Modeling of protein sequence and biophysical properties (such as structural, functional, and spatial information, amino acid conservation, physicochemical variation, residue mobility, and thermodynamic stability) has been performed for this missense variant. However, the output from this modeling did not meet the statistical confidence thresholds required to predict the impact of this variant on PTCH1 protein function. In summary, the available evidence is currently insufficient to determine the role of this variant in disease. Therefore, it has been classified as a Variant of Uncertain Significance.

Ambry Genetics
Classification: Uncertain significance for Hereditary cancer-predisposing syndrome. Last evaluated: 2024-09-22. Review status: criteria provided, single submitter. Criteria: Ambry Variant Classification Scheme 2023. Collection method: clinical testing. Allele origin: germline.
Comment: The p.W78C variant (also known as c.234G>T), located in coding exon 2 of the PTCH1 gene, results from a G to T substitution at nucleotide position 234. The tryptophan at codon 78 is replaced by cysteine, an amino acid with highly dissimilar properties. This amino acid position is conserved. In addition, this alteration is predicted to be deleterious by in silico analysis. Based on the available evidence, the clinical significance of this variant remains unclear.

NM_000264.5(PTCH1):c.234G>T (p.Trp78Cys)

Gene: PTCH1 (patched 1; minus strand). Cytogenetic location: 9q22.32.
Variant type: single nucleotide variant.
Coding change: c.234G>T on transcript NM_000264.5 (MANE Select); coding-DNA position 234, G replaced by T.
Protein change: p.Trp78Cys; replaces tryptophan 78 with cysteine.
Molecular consequence: missense variant. On other transcripts: 5 prime UTR variant (4), non-coding transcript variant (1).
Genome position (GRCh38, 1-based): chr9:95,506,567, C>A on the plus strand (G>T on the coding strand, the complement: PTCH1 is on the minus strand). VCF-style: chr9-95506567-C-A. GRCh37 (hg19) VCF-style: chr9-98268849-C-A.
Other names: c.234G>T (NM_000264.3); c.36G>T, p.Trp12Cys (NM_001083602.3, NM_001354919.2); c.231G>T, p.Trp77Cys (NM_001083603.3); c.-220G>T (NM_001083604.3, NM_001083605.3, NM_001083606.3 and 1 more transcripts); c.234G>T, p.Trp78Cys (NM_001354918.2); short protein forms W12C, W78C, W77C.
Identifiers: ClinVar variation 1511737 (VCV001511737.7), dbSNP rs1554708787, ClinGen allele CA374120634.